The following is an entry in ClinVar:

ClinVar aggregate classification (germline): Uncertain significance (1 of 4 stars; one submission).

Submission:

GeneDx
Classification: Uncertain significance. Last evaluated: 2025-02-03. Review status: criteria provided, single submitter. Criteria: GeneDx Variant Classification Process June 2021. Collection method: clinical testing. Allele origin: germline. Affected: yes.
Comment: Not observed at significant frequency in large population cohorts (gnomAD); In silico analysis indicates that this missense variant does not alter protein structure/function; Has not been previously published as pathogenic or benign to our knowledge

NM_001273.5(CHD4):c.4643A>G (p.Asp1548Gly)

Genes: CHD4 (chromodomain helicase DNA binding protein 4; minus strand), CHD4-AS1 (CHD4 antisense RNA 1; plus strand). Cytogenetic location: 12p13.31.
Variant type: single nucleotide variant.
Coding change: c.4643A>G on transcript NM_001273.5 (MANE Select); coding-DNA position 4643, A replaced by G.
Protein change: p.Asp1548Gly; replaces aspartic acid 1548 with glycine.
Molecular consequence: missense variant.
Genome position (GRCh38, 1-based): chr12:6,581,687, T>C on the plus strand (A>G on the coding strand, the complement: CHD4 is on the minus strand). VCF-style: chr12-6581687-T-C. GRCh37 (hg19) VCF-style: chr12-6690853-T-C.
Other names: c.4622A>G, p.Asp1541Gly (NM_001297553.2); c.4604A>G, p.Asp1535Gly (NM_001363606.2); short protein forms D1535G, D1541G, D1548G.
Identifiers: ClinVar variation 4072755 (VCV004072755.1).